The following is an entry in ClinVar:

NM_000264.5(PTCH1):c.4080C>T (p.Ser1360=)

Gene: PTCH1 (patched 1; minus strand). Cytogenetic location: 9q22.32.
Variant type: single nucleotide variant.
Coding change: c.4080C>T on transcript NM_000264.5 (MANE Select); coding-DNA position 4080, C replaced by T.
Protein change: p.Ser1360=; no amino-acid change (serine 1360 retained).
Molecular consequence: synonymous variant. On other transcripts: non-coding transcript variant (1).
Genome position (GRCh38, 1-based): chr9:95,447,176, G>A on the plus strand (C>T on the coding strand, the complement: PTCH1 is on the minus strand). VCF-style: chr9-95447176-G-A. GRCh37 (hg19) VCF-style: chr9-98209458-G-A.
Other names: p.Ser1360=; c.3882C>T, p.Ser1294= (NM_001083602.3); c.4077C>T, p.Ser1359= (NM_001083603.3); c.3627C>T, p.Ser1209= (NM_001083604.3, NM_001083605.3, NM_001083606.3 and 1 more transcripts); c.3924C>T, p.Ser1308= (NM_001354918.2).
Identifiers: ClinVar variation 92698 (VCV000092698.60), dbSNP rs62637631, ClinGen allele CA145944.

ClinVar aggregate classification (germline): Benign/Likely benign. Review status: criteria provided, multiple submitters, no conflicts (2 of 4 stars). 19 submissions from 18 submitters: Benign (13); Likely benign (4). 2 of the submissions do not count toward it. Last evaluated 2026-09-01.

Conditions:
Basal cell carcinoma, susceptibility to, 1. Also called: BCC1. Identifiers: MedGen C2751544, MONDO:0011556, OMIM 605462.
Holoprosencephaly 7 (HPE7). Identifiers: Orphanet 2162, MedGen C1835820, MONDO:0012562, OMIM 610828.
Basal cell nevus syndrome 1 (BCNS1). Also called: GORLIN-GOLTZ SYNDROME; MULTIPLE BASAL CELL NEVI, ODONTOGENIC KERATOCYSTS, AND SKELETAL ANOMALIES. Identifiers: MedGen CN376810, MONDO:0958174, OMIM 109400.
Hereditary cancer-predisposing syndrome. Also called: Neoplastic Syndromes, Hereditary; Tumor predisposition; Hereditary Cancer Syndrome; Hereditary neoplastic syndrome. Identifiers: Orphanet 140162, MedGen C0027672, MeSH D009386, MONDO:0015356.
Gorlin syndrome. Also called: Nevoid Basal Cell Carcinoma Syndrome; Basal cell nevus syndrome. Identifiers: Orphanet 377, MedGen C0004779, MONDO:0007187.

Allele frequency attached by ClinVar (database versions not stated): 1000 Genomes Project 0.00359; 1000 Genomes Project 30x 0.00359; TOPMed 0.00401; ESP Exome Variant Server 0.00439.
gnomAD v4.1: 10,041 of 1,613,082 alleles (0.62%); highest among the groups gnomAD compares: Non-Finnish European, 0.79%; 36 homozygotes.

Submissions (19):

CeGaT Center for Human Genetics Tuebingen
Classification: Benign. Last evaluated: 2026-09-01. Review status: criteria provided, single submitter. Criteria: CeGaT Center For Human Genetics Tuebingen Variant Classification Criteria Version 2. Collection method: clinical testing. Allele origin: germline. Affected: yes. Observed: 98 variant alleles.
Comment: PTCH1: BP4, BP7, BS1, BS2

Labcorp Genetics (formerly Invitae), Labcorp
Classification: Benign for Gorlin syndrome. Last evaluated: 2026-02-03. Review status: criteria provided, single submitter. Criteria: Invitae Variant Classification Sherloc (09022015). Collection method: clinical testing. Allele origin: germline.

Quest Diagnostics Nichols Institute San Juan Capistrano
Classification: Benign. Last evaluated: 2025-04-02. Review status: criteria provided, single submitter. Criteria: Quest Diagnostics criteria. Collection method: clinical testing. Allele origin: unknown.

Mayo Clinic Laboratories, Mayo Clinic
Classification: Likely benign. Last evaluated: 2025-03-21. Review status: criteria provided, single submitter. Criteria: ACMG Guidelines, 2015. Collection method: clinical testing. Allele origin: germline. Observed: 2 variant alleles.
Comment: BS1, BP4, BP7

Center for Genomic Medicine, Rigshospitalet, Copenhagen University Hospital
Classification: Likely benign. Last evaluated: 2025-03-04. Review status: criteria provided, single submitter. Criteria: ACMG Guidelines, 2015. Collection method: clinical testing. Allele origin: germline.

Blueprint Genetics
Classification: Likely benign. Last evaluated: 2024-11-25. Review status: criteria provided, single submitter. Criteria: ACMG Guidelines, 2015. Collection method: clinical testing. Allele origin: germline.

ARUP Laboratories, Molecular Genetics and Genomics, ARUP Laboratories
Classification: Benign. Last evaluated: 2023-09-12. Review status: criteria provided, single submitter. Criteria: ARUP Molecular Germline Variant Investigation Process 2024. Collection method: clinical testing. Allele origin: germline.

KCCC/NGS Laboratory, Kuwait Cancer Control Center
Classification: Benign for Basal cell nevus syndrome 1. Last evaluated: 2023-07-07. Review status: criteria provided, single submitter. Criteria: ACMG Guidelines, 2015. Collection method: clinical testing. Allele origin: germline. Affected: yes.

Department of Pathology and Laboratory Medicine, Sinai Health System
Classification: Benign for Basal cell nevus syndrome 1; Basal cell carcinoma, susceptibility to, 1; Holoprosencephaly 7. Last evaluated: 2021-12-30. Review status: criteria provided, single submitter. Criteria: ACMG Guidelines, 2015. Collection method: clinical testing. Allele origin: germline. Affected: yes.

Sema4
Classification: Benign for Hereditary cancer-predisposing syndrome. Last evaluated: 2020-11-06. Review status: criteria provided, single submitter. Criteria: Sema4 Curation Guidelines. Collection method: curation. Allele origin: germline.

Illumina Laboratory Services, Illumina
Classification: Benign for Holoprosencephaly 7. Last evaluated: 2018-01-12. Review status: criteria provided, single submitter. Criteria: ICSL Variant Classification Criteria 13 December 2019. Collection method: clinical testing. Allele origin: germline.
Comment: This variant was observed in the ICSL laboratory as part of a predisposition screen in an ostensibly healthy population. It had not been previously curated by ICSL or reported in the Human Gene Mutation Database (HGMD: prior to June 1st, 2018), and was therefore a candidate for classification through an automated scoring system. Utilizing variant allele frequency, disease prevalence and penetrance estimates, and inheritance mode, an automated score was calculated to assess if this variant is too frequent to cause the disease. Based on the score and internal cut-off values, a variant classified as benign is not then subjected to further curation. The score for this variant resulted in a classification of benign for this disease.

Illumina Laboratory Services, Illumina
Classification: Benign for Basal cell nevus syndrome 1. Last evaluated: 2018-01-12. Review status: criteria provided, single submitter. Criteria: ICSL Variant Classification Criteria 13 December 2019. Collection method: clinical testing. Allele origin: germline.
Comment: the same text as in the submission from Illumina Laboratory Services, Illumina above.

Women's Health and Genetics/Laboratory Corporation of America, LabCorp
Classification: Benign. Last evaluated: 2016-08-30. Review status: criteria provided, single submitter. Criteria: LabCorp Variant Classification Summary - May 2015. Collection method: clinical testing. Allele origin: germline.
Comment: Variant summary: The PTCH1 c.4080C>T (p.Ser1360Ser) variant causes a synonymous change involving a non-conserved nucleotide with 5/5 splice prediction tools predicting no significant affect on splicing. The variant of interest was observed in the large, broad control population, ExAC, with an allele frequency of 468/116042 (1/247, 2 homozygotes), which significantly exceeds the expected allele frequency for a pathogenic PTCH1 variant of 1/58479, suggesting this variant is likely a benign polymorphism. In addition, multiple clinical diagnostic laboratories have cited the variant as "benign." Therefore, the variant of interest has been classified as Benign.

Ambry Genetics
Classification: Likely benign for Hereditary cancer-predisposing syndrome. Last evaluated: 2016-07-11. Review status: criteria provided, single submitter. Criteria: Ambry Variant Classification Scheme 2023. Collection method: clinical testing. Allele origin: germline.

GeneDx
Classification: Benign. Last evaluated: 2015-03-03. Review status: criteria provided, single submitter. Criteria: GeneDx Variant Classification Process June 2021. Collection method: clinical testing. Allele origin: germline. Affected: yes.

Eurofins Ntd Llc (ga)
Classification: Benign. Last evaluated: 2013-07-30. Review status: criteria provided, single submitter. Criteria: EGL Classification Definitions 2015. Collection method: clinical testing. Allele origin: germline. Observed: 2 variant alleles, 2 heterozygotes.

PreventionGenetics, part of Exact Sciences
Classification: Benign. Review status: criteria provided, single submitter. Criteria: ACMG Guidelines, 2015. Collection method: clinical testing. Allele origin: germline.

Genome Diagnostics Laboratory, Amsterdam University Medical Center
Classification: Benign. Review status: no assertion criteria provided. Collection method: clinical testing. Allele origin: germline. Affected: yes. Study: VKGL Data-share Consensus. Not counted in ClinVar's aggregate classification.

Laboratory of Diagnostic Genome Analysis, Leiden University Medical Center (LUMC)
Classification: Likely benign. Review status: no assertion criteria provided. Collection method: clinical testing. Allele origin: germline. Affected: yes. Study: VKGL Data-share Consensus. Not counted in ClinVar's aggregate classification.

Literature cited by the submitters: PubMed 21188540 (cited by Quest Diagnostics Nichols Institute San Juan Capistrano); PubMed 31655866 (cited by Quest Diagnostics Nichols Institute San Juan Capistrano).